The following is an entry in ClinVar:

NM_183357.3(ADCY5):c.1209C>T (p.Ser403=)

Gene: ADCY5 (adenylate cyclase 5; minus strand). Cytogenetic location: 3q21.1.
Variant type: single nucleotide variant.
Coding change: c.1209C>T on transcript NM_183357.3 (MANE Select); coding-DNA position 1209, C replaced by T.
Protein change: p.Ser403=; no amino-acid change (serine 403 retained).
Molecular consequence: synonymous variant.
Genome position (GRCh38, 1-based): chr3:123,352,507, G>A on the plus strand (C>T on the coding strand, the complement: ADCY5 is on the minus strand). VCF-style: chr3-123352507-G-A. GRCh37 (hg19) VCF-style: chr3-123071354-G-A.
Other names: c.159C>T, p.Ser53= (NM_001199642.1); c.1209C>T, p.Ser403= (NM_001378259.1).
Identifiers: ClinVar variation 1591024 (VCV001591024.13), dbSNP rs145497452, ClinGen allele CA2577527.
Genomic context (GRCh38, chr3:123,352,507, plus strand): 5'-CCGCTGCGAGTGGAGCCGCGCCTGGATGCACTCTCGGGTCTCCTGGAAAGCCTGTCTCTG[G>A]GAGACCTCAGCCGGATAGTGGGTGCAGACACCCACGATGTTGGTGCAGGAGAAAATGAGA-3'
Protein context (NP_899200.1, residues 393-413): GVCTHYPAEV[Ser403=]QRQAFQETRE

ClinVar aggregate classification (germline): Benign/Likely benign. Review status: criteria provided, multiple submitters, no conflicts (2 of 4 stars). 3 submissions from 3 submitters: Benign (1); Likely benign (2). Last evaluated 2026-01-01.

Allele frequency attached by ClinVar (database versions not stated): gnomAD 0.00009 and 0.00014; TOPMed 0.00015; ExAC 0.00017; gnomAD exomes 0.00017; 1000 Genomes Project 30x 0.00078; 1000 Genomes Project 0.00080.
gnomAD v4.1: 150 of 1,614,014 alleles (0.0093%); highest among the groups gnomAD compares: East Asian, 0.27%; 1 homozygote.

Submissions (3):

CeGaT Center for Human Genetics Tuebingen
Classification: Likely benign. Last evaluated: 2026-01-01. Review status: criteria provided, single submitter. Criteria: CeGaT Center For Human Genetics Tuebingen Variant Classification Criteria Version 2. Collection method: clinical testing. Allele origin: germline. Affected: yes. Observed: 1 variant allele.
Comment: ADCY5: BP4, BP7

Labcorp Genetics (formerly Invitae), Labcorp
Classification: Benign. Last evaluated: 2025-04-14. Review status: criteria provided, single submitter. Criteria: Invitae Variant Classification Sherloc (09022015). Collection method: clinical testing. Allele origin: germline.

Blueprint Genetics
Classification: Likely benign. Last evaluated: 2024-11-18. Review status: criteria provided, single submitter. Criteria: ACMG Guidelines, 2015. Collection method: clinical testing. Allele origin: germline.